The following is an entry in ClinVar:

NM_153252.5(BRWD3):c.4398-3T>C

Gene: BRWD3 (bromodomain and WD repeat domain containing 3; minus strand). Cytogenetic location: Xq21.1.
Variant type: single nucleotide variant.
Coding change: c.4398-3T>C on transcript NM_153252.5 (MANE Select); 3 bases into the intron before coding-DNA position 4398, T replaced by C.
Molecular consequence: intron variant.
Genome position (GRCh38, 1-based): chrX:80,682,097, A>G on the plus strand (T>C on the coding strand, the complement: BRWD3 is on the minus strand). VCF-style: chrX-80682097-A-G. GRCh37 (hg19) VCF-style: chrX-79937596-A-G.
Identifiers: ClinVar variation 1943142 (VCV001943142.12), dbSNP rs765182070, ClinGen allele CA10461654.

ClinVar aggregate classification (germline): Conflicting classifications of pathogenicity. Review status: criteria provided, conflicting classifications (1 of 4 stars). 2 submissions from 2 submitters: Uncertain significance (1); Likely benign (1). Last evaluated 2025-03-01.

Allele frequency attached by ClinVar (database versions not stated): ExAC 0.00001; TOPMed 0.00003; gnomAD exomes 0.00004; gnomAD 0.00006.
gnomAD v4.1: 52 of 1,191,260 alleles (0.0044%); highest among the groups gnomAD compares: Non-Finnish European, 0.0055%; 1 homozygote.

Submissions (2):

CeGaT Center for Human Genetics Tuebingen
Classification: Likely benign. Last evaluated: 2025-03-01. Review status: criteria provided, single submitter. Criteria: CeGaT Center For Human Genetics Tuebingen Variant Classification Criteria Version 2. Collection method: clinical testing. Allele origin: germline. Affected: yes. Observed: 1 variant allele.
Comment: BRWD3: BP4, BS2

Labcorp Genetics (formerly Invitae), Labcorp
Classification: Uncertain significance. Last evaluated: 2022-06-27. Review status: criteria provided, single submitter. Criteria: Invitae Variant Classification Sherloc (09022015). Collection method: clinical testing. Allele origin: germline.
Comment: This variant has not been reported in the literature in individuals affected with BRWD3-related conditions. This variant is present in population databases (rs765182070, gnomAD 0.001%). This sequence change falls in intron 38 of the BRWD3 gene. It does not directly change the encoded amino acid sequence of the BRWD3 protein. It affects a nucleotide within the consensus splice site. Variants that disrupt the consensus splice site are a relatively common cause of aberrant splicing (PMID: 17576681, 9536098). Algorithms developed to predict the effect of sequence changes on RNA splicing suggest that this variant is not likely to affect RNA splicing. In summary, the available evidence is currently insufficient to determine the role of this variant in disease. Therefore, it has been classified as a Variant of Uncertain Significance.

Literature cited by the submitters: PubMed 17576681 (cited by Labcorp Genetics (formerly Invitae), Labcorp); PubMed 9536098 (cited by Labcorp Genetics (formerly Invitae), Labcorp).